The following is an entry in ClinVar:

ClinVar aggregate classification (germline): Benign/Likely benign. Review status: criteria provided, multiple submitters, no conflicts (2 of 4 stars). 3 submissions from 3 submitters: Benign (2); Likely benign (1). Last evaluated 2026-02-04.

Allele frequency attached by ClinVar (database versions not stated): gnomAD exomes 0.00037 and 0.00086; ExAC 0.00091; 1000 Genomes Project 30x 0.00156; 1000 Genomes Project 0.00160; gnomAD 0.00240 and 0.00265; TOPMed 0.00267; ESP Exome Variant Server 0.00300.
gnomAD v4.1: 949 of 1,612,674 alleles (0.059%); highest among the groups gnomAD compares: African/African-American, 0.8%; 1 homozygote.

Submissions (3):

Women's Health and Genetics/Laboratory Corporation of America, LabCorp
Classification: Benign. Last evaluated: 2026-02-04. Review status: criteria provided, single submitter. Criteria: LabCorp Variant Classification Summary - May 2015. Collection method: clinical testing. Allele origin: germline.
Comment: Variant summary: FCHO1 c.2093+5T>C alters a nucleotide located close to a canonical splice site and therefore could affect mRNA splicing, leading to a significantly altered protein sequence. The variant allele was found at a frequency of 0.00086 in 249954 control chromosomes, predominantly at a frequency of 0.0086 within the African or African-American subpopulation in the gnomAD database. The observed variant frequency within African or African-American control individuals in the gnomAD database exceeds the estimated maximal expected allele frequency for disease-causing variants in FCHO1. To our knowledge, no occurrence of c.2093+5T>C in individuals affected with FCHO1-related conditions and no experimental evidence demonstrating its impact on protein function have been reported. ClinVar contains an entry for this variant (Variation ID: 1165564). Based on the evidence outlined above, the variant was classified as benign.

Labcorp Genetics (formerly Invitae), Labcorp
Classification: Benign. Last evaluated: 2026-01-27. Review status: criteria provided, single submitter. Criteria: Invitae Variant Classification Sherloc (09022015). Collection method: clinical testing. Allele origin: germline.

Blueprint Genetics
Classification: Likely benign. Last evaluated: 2024-11-12. Review status: criteria provided, single submitter. Criteria: ACMG Guidelines, 2015. Collection method: clinical testing. Allele origin: germline.

NM_015122.3(FCHO1):c.2093+5T>C

Gene: FCHO1 (FCH and mu domain containing endocytic adaptor 1; plus strand). Cytogenetic location: 19p13.11.
Variant type: single nucleotide variant.
Coding change: c.2093+5T>C on transcript NM_015122.3 (MANE Select); 5 bases into the intron after coding-DNA position 2093, T replaced by C.
Molecular consequence: intron variant.
Genome position (GRCh38, 1-based): chr19:17,783,177, T>C. VCF-style: chr19-17783177-T-C. GRCh37 (hg19) VCF-style: chr19-17893986-T-C.
Other names: c.2093+5T>C (NM_001384370.1, NM_001384376.1, NM_001384375.1 and 13 more transcripts); c.1817+5T>C (NM_001384396.1, NM_001384404.1, NM_001384398.1 and 5 more transcripts); c.2018+5T>C (NM_001384390.1); c.1667+5T>C (NM_001384406.1); c.1523+5T>C (NM_001384407.1); c.1976+5T>C (NM_001384393.1, NM_001384394.1, NM_001384392.1 and 1 more transcripts); c.1772+5T>C (NM_001384403.1); c.2054+5T>C (NM_001384388.1, NM_001384405.1, NM_001384389.1); and 1 more.
Identifiers: ClinVar variation 1165564 (VCV001165564.12), dbSNP rs186812006, ClinGen allele CA9300739.